The following is an entry in ClinVar:

NM_017763.6(RNF43):c.693G>A (p.Pro231=)

Gene: RNF43 (ring finger protein 43; minus strand). Cytogenetic location: 17q22.
Variant type: single nucleotide variant.
Coding change: c.693G>A on transcript NM_017763.6 (MANE Select); coding-DNA position 693, G replaced by A.
Protein change: p.Pro231=; no amino-acid change (proline 231 retained).
Molecular consequence: synonymous variant.
Genome position (GRCh38, 1-based): chr17:58,360,939, C>T on the plus strand (G>A on the coding strand, the complement: RNF43 is on the minus strand). VCF-style: chr17-58360939-C-T. GRCh37 (hg19) VCF-style: chr17-56438300-C-T.
Other names: c.693G>A, p.Pro231= (NM_001305544.3); c.312G>A, p.Pro104= (NM_001305545.2).
Identifiers: ClinVar variation 1533894 (VCV001533894.10), dbSNP rs376426806, ClinGen allele CA8673318.

ClinVar aggregate classification (germline): Benign/Likely benign. Review status: criteria provided, multiple submitters, no conflicts (2 of 4 stars). 3 submissions from 3 submitters: Benign (1); Likely benign (2). Last evaluated 2026-06-30.

Conditions:
Sessile serrated polyposis cancer syndrome (SSPCS). Identifiers: Orphanet 157798, MedGen C4310714, MONDO:0014919, OMIM 617108.

Allele frequency attached by ClinVar (database versions not stated): gnomAD 0.00001; ExAC 0.00005; ESP Exome Variant Server 0.00008; gnomAD exomes 0.00003; TOPMed below 0.00001.
gnomAD v4.1: 20 of 1,574,618 alleles (0.0013%); highest among the groups gnomAD compares: South Asian, 0.012%; no homozygotes.

Submissions (3):

Myriad Genetics, Inc.
Classification: Benign for Sessile serrated polyposis cancer syndrome. Last evaluated: 2026-06-30. Review status: criteria provided, single submitter. Criteria: Myriad Autosomal Dominant, Autosomal Recessive and X-Linked Classification Criteria (2023). Collection method: clinical testing. Allele origin: unknown.
Comment: This variant is considered benign. This variant is a silent/synonymous amino acid change and it is not expected to impact splicing.

Ambry Genetics
Classification: Likely benign. Last evaluated: 2025-01-25. Review status: criteria provided, single submitter. Criteria: Ambry Variant Classification Scheme 2023. Collection method: clinical testing. Allele origin: germline.

Labcorp Genetics (formerly Invitae), Labcorp
Classification: Likely benign. Last evaluated: 2022-04-01. Review status: criteria provided, single submitter. Criteria: Invitae Variant Classification Sherloc (09022015). Collection method: clinical testing. Allele origin: germline.